The following is an entry in ClinVar:

NM_004304.5(ALK):c.3453G>A (p.Thr1151=)

Gene: ALK (ALK receptor tyrosine kinase; minus strand). Cytogenetic location: 2p23.2.
Variant type: single nucleotide variant.
Coding change: c.3453G>A on transcript NM_004304.5 (MANE Select); coding-DNA position 3453, G replaced by A.
Protein change: p.Thr1151=; no amino-acid change (threonine 1151 retained).
Molecular consequence: synonymous variant.
Genome position (GRCh38, 1-based): chr2:29,222,406, C>T on the plus strand (G>A on the coding strand, the complement: ALK is on the minus strand). VCF-style: chr2-29222406-C-T. GRCh37 (hg19) VCF-style: chr2-29445272-C-T.
Other names: c.249G>A, p.Thr83= (NM_001353765.2).
Identifiers: ClinVar variation 480962 (VCV000480962.40), dbSNP rs145061595, ClinGen allele CA1593927.

ClinVar aggregate classification (germline): Likely benign. Review status: criteria provided, multiple submitters, no conflicts (2 of 4 stars). 3 submissions from 3 submitters: Likely benign (3). Last evaluated 2025-11-09.

Conditions:
Neuroblastoma, susceptibility to, 3. Also called: ALK-Related Neuroblastic Tumor Susceptibility. Identifiers: Orphanet 635, MedGen C2751681, MONDO:0013083, OMIM 613014.
Hereditary cancer-predisposing syndrome. Also called: Hereditary neoplastic syndrome; Tumor predisposition; Neoplastic Syndromes, Hereditary; Hereditary Cancer Syndrome. Identifiers: Orphanet 140162, MedGen C0027672, MeSH D009386, MONDO:0015356.

Allele frequency attached by ClinVar (database versions not stated): gnomAD 0.00005 and 0.00006; TOPMed 0.00005; gnomAD exomes 0.00007 and 0.00008; ExAC 0.00009; ESP Exome Variant Server 0.00015.
gnomAD v4.1: 120 of 1,613,636 alleles (0.0074%); highest among the groups gnomAD compares: South Asian, 0.046%; 1 homozygote.

Submissions (3):

Labcorp Genetics (formerly Invitae), Labcorp
Classification: Likely benign for Neuroblastoma, susceptibility to, 3. Last evaluated: 2025-11-09. Review status: criteria provided, single submitter. Criteria: Invitae Variant Classification Sherloc (09022015). Collection method: clinical testing. Allele origin: germline.

CeGaT Center for Human Genetics Tuebingen
Classification: Likely benign. Last evaluated: 2025-10-01. Review status: criteria provided, single submitter. Criteria: CeGaT Center For Human Genetics Tuebingen Variant Classification Criteria Version 2. Collection method: clinical testing. Allele origin: germline. Affected: yes. Observed: 2 variant alleles.
Comment: ALK: BP4, BP7

Ambry Genetics
Classification: Likely benign for Hereditary cancer-predisposing syndrome. Last evaluated: 2017-05-24. Review status: criteria provided, single submitter. Criteria: Ambry Variant Classification Scheme 2023. Collection method: clinical testing. Allele origin: germline.